The following is an entry in ClinVar:

NM_015898.4(ZBTB7A):c.334C>T (p.Arg112Cys)

Gene: ZBTB7A (zinc finger and BTB domain containing 7A; minus strand). Cytogenetic location: 19p13.3.
Variant type: single nucleotide variant.
Coding change: c.334C>T on transcript NM_015898.4 (MANE Select); coding-DNA position 334, C replaced by T.
Protein change: p.Arg112Cys; replaces arginine 112 with cysteine.
Molecular consequence: missense variant.
Genome position (GRCh38, 1-based): chr19:4,054,899, G>A on the plus strand (C>T on the coding strand, the complement: ZBTB7A is on the minus strand). VCF-style: chr19-4054899-G-A. GRCh37 (hg19) VCF-style: chr19-4054897-G-A.
Other names: c.334C>T, p.Arg112Cys (NM_001317990.2); short protein forms R112C.
Identifiers: ClinVar variation 4527239 (VCV004527239.1).

ClinVar aggregate classification (germline): Uncertain significance (1 of 4 stars; one submission).

Submission:

GeneDx
Classification: Uncertain significance. Last evaluated: 2025-04-23. Review status: criteria provided, single submitter. Criteria: GeneDx Variant Classification Process June 2021. Collection method: clinical testing. Allele origin: germline. Affected: yes.
Comment: Not observed at significant frequency in large population cohorts (gnomAD); In silico analysis supports that this missense variant has a deleterious effect on protein structure/function; Has not been previously published as pathogenic or benign to our knowledge